The following is an entry in ClinVar:

ClinVar aggregate classification (germline): Uncertain significance. Review status: criteria provided, multiple submitters, no conflicts (2 of 4 stars). 2 submissions from 2 submitters: Uncertain significance (2). Last evaluated 2026-03-15.

Conditions:
Hereditary cancer-predisposing syndrome. Also called: Tumor predisposition; Hereditary Cancer Syndrome; Neoplastic Syndromes, Hereditary; Hereditary neoplastic syndrome. Identifiers: Orphanet 140162, MedGen C0027672, MeSH D009386, MONDO:0015356.
Tuberous sclerosis 2 (TSC2). Identifiers: Orphanet 805, MedGen C1860707, MONDO:0013199, OMIM 613254.

Allele frequency attached by ClinVar (database versions not stated): TOPMed 0.00001.

Submissions (2):

Ambry Genetics
Classification: Uncertain significance for Hereditary cancer-predisposing syndrome. Last evaluated: 2026-03-15. Review status: criteria provided, single submitter. Criteria: Ambry Variant Classification Scheme 2023. Collection method: clinical testing. Allele origin: germline.
Comment: The p.T659N variant (also known as c.1976C>A), located in coding exon 18 of the TSC2 gene, results from a C to A substitution at nucleotide position 1976. The threonine at codon 659 is replaced by asparagine, an amino acid with similar properties. This amino acid position is conserved. In addition, the in silico prediction for this alteration is inconclusive. Based on the available evidence, the clinical significance of this variant remains unclear.

Labcorp Genetics (formerly Invitae), Labcorp
Classification: Uncertain significance for Tuberous sclerosis 2. Last evaluated: 2018-07-28. Review status: criteria provided, single submitter. Criteria: Invitae Variant Classification Sherloc (09022015). Collection method: clinical testing. Allele origin: germline.
Comment: This variant is not present in population databases (ExAC no frequency). This variant has not been reported in the literature in individuals with TSC2-related disease. Algorithms developed to predict the effect of missense changes on protein structure and function (SIFT, PolyPhen-2, Align-GVGD) all suggest that this variant is likely to be tolerated, but these predictions have not been confirmed by published functional studies and their clinical significance is uncertain. In summary, the available evidence is currently insufficient to determine the role of this variant in disease. Therefore, it has been classified as a Variant of Uncertain Significance. This sequence change replaces threonine with asparagine at codon 659 of the TSC2 protein (p.Thr659Asn). The threonine residue is weakly conserved and there is a small physicochemical difference between threonine and asparagine.

NM_000548.5(TSC2):c.1976C>A (p.Thr659Asn)

Gene: TSC2 (TSC complex subunit 2; plus strand). Cytogenetic location: 16p13.3.
Variant type: single nucleotide variant.
Coding change: c.1976C>A on transcript NM_000548.5 (MANE Select); coding-DNA position 1976, C replaced by A.
Protein change: p.Thr659Asn; replaces threonine 659 with asparagine.
Molecular consequence: missense variant.
Genome position (GRCh38, 1-based): chr16:2,071,813, C>A. VCF-style: chr16-2071813-C-A. GRCh37 (hg19) VCF-style: chr16-2121814-C-A.
Other names: c.1976C>A, p.Thr659Asn (NM_001077183.3, NM_001114382.3, NM_001363528.2 and 3 more transcripts); c.1865C>A, p.Thr622Asn (NM_001318827.2); c.1829C>A, p.Thr610Asn (NM_001318829.2); c.1376C>A, p.Thr459Asn (NM_001318831.2); c.2009C>A, p.Thr670Asn (NM_001318832.2); short protein forms T459N, T610N, T622N, T659N, T670N.
Identifiers: ClinVar variation 661926 (VCV000661926.9), dbSNP rs755847664, ClinGen allele CA276737622.